The following is an entry in ClinVar:

ClinVar aggregate classification (germline): Uncertain significance. Review status: criteria provided, multiple submitters, no conflicts (2 of 4 stars). 4 submissions from 4 submitters: Uncertain significance (4). Last evaluated 2024-09-23.

Conditions:
RYR1-related disorder. Also called: RYR1-related condition; RYR1-related disorders. Identifiers: MedGen CN239331.
Malignant hyperthermia, susceptibility to, 1 (MHS1). Also called: Malignant hyperthermia suceptibility 1; Anesthesia related hyperthermia; Malignant hyperpyrexia; Fulminating hyperpyrexia; Pharmacogenic myopathy; RYR1-Related Malignant Hyperthermia Susceptibility. Identifiers: Orphanet 423, MedGen C2930980, MONDO:0007783, OMIM 145600.

Allele frequency attached by ClinVar (database versions not stated): 1000 Genomes Project 30x 0.00016; 1000 Genomes Project 0.00020.
gnomAD v4.1: 14 of 1,556,296 alleles (0.0009%); highest among the groups gnomAD compares: East Asian, 0.0072%; no homozygotes.

Submissions (4):

All of Us Research Program, National Institutes of Health
Classification: Uncertain significance for Malignant hyperthermia, susceptibility to, 1. Last evaluated: 2024-09-23. Review status: criteria provided, single submitter. Criteria: ACMG Guidelines, 2015. Collection method: clinical testing. Allele origin: germline. Inheritance: Autosomal dominant inheritance. Observed: 9 variant alleles, 9 heterozygotes.
Comment: This missense variant replaces glycine with serine at codon 1347 of the RYR1 protein. Computational prediction suggests that this variant may not impact protein structure and function (internally defined REVEL score threshold <= 0.5, PMID: 27666373). To our knowledge, functional studies have not been reported for this variant. This variant has not been reported in individuals affected with RYR1-related disorders in the literature. This variant has been identified in 3/184536 chromosomes in the general population by the Genome Aggregation Database (gnomAD). The available evidence is insufficient to determine the role of this variant in disease conclusively. Therefore, this variant is classified as a Variant of Uncertain Significance.

This study involves interpretation of variants in research participants for the purpose of population health screening. Participant phenotype was not available at the time of variant classification. Additional details can be found in publication PMID: 35346344, PMCID: PMC8962531

GeneDx
Classification: Uncertain significance. Last evaluated: 2024-04-15. Review status: criteria provided, single submitter. Criteria: GeneDx Variant Classification Process June 2021. Collection method: clinical testing. Allele origin: germline. Affected: yes.
Comment: Has not been previously published as pathogenic or benign to our knowledge; Not observed at significant frequency in large population cohorts (gnomAD); In silico analysis supports that this missense variant does not alter protein structure/function

Color Diagnostics, LLC DBA Color Health
Classification: Uncertain significance for Malignant hyperthermia, susceptibility to, 1. Last evaluated: 2024-04-03. Review status: criteria provided, single submitter. Criteria: ACMG Guidelines, 2015. Collection method: clinical testing. Allele origin: germline.
Comment: This missense variant replaces glycine with serine at codon 1347 of the RYR1 protein. Computational prediction suggests that this variant may not impact protein structure and function. To our knowledge, functional studies have not been reported for this variant. This variant has not been reported in individuals affected with RYR1-related disorders in the literature. This variant has been identified in 3/184536 chromosomes in the general population by the Genome Aggregation Database (gnomAD). The available evidence is insufficient to determine the role of this variant in disease conclusively. Therefore, this variant is classified as a Variant of Uncertain Significance.

Labcorp Genetics (formerly Invitae), Labcorp
Classification: Uncertain significance for RYR1-related disorder. Last evaluated: 2022-08-16. Review status: criteria provided, single submitter. Criteria: Invitae Variant Classification Sherloc (09022015). Collection method: clinical testing. Allele origin: germline.
Comment: This sequence change replaces glycine, which is neutral and non-polar, with serine, which is neutral and polar, at codon 1347 of the RYR1 protein (p.Gly1347Ser). The frequency data for this variant in the population databases is considered unreliable, as metrics indicate poor data quality at this position in the gnomAD database. This variant has not been reported in the literature in individuals affected with RYR1-related conditions. Advanced modeling of protein sequence and biophysical properties (such as structural, functional, and spatial information, amino acid conservation, physicochemical variation, residue mobility, and thermodynamic stability) performed at Invitae indicates that this missense variant is not expected to disrupt RYR1 protein function. In summary, the available evidence is currently insufficient to determine the role of this variant in disease. Therefore, it has been classified as a Variant of Uncertain Significance.

NM_000540.3(RYR1):c.4039G>A (p.Gly1347Ser)

Gene: RYR1 (ryanodine receptor 1; plus strand). Cytogenetic location: 19q13.2.
Variant type: single nucleotide variant.
Coding change: c.4039G>A on transcript NM_000540.3 (MANE Select); coding-DNA position 4039, G replaced by A.
Protein change: p.Gly1347Ser; replaces glycine 1347 with serine.
Molecular consequence: missense variant.
Genome position (GRCh38, 1-based): chr19:38,473,650, G>A. VCF-style: chr19-38473650-G-A. GRCh37 (hg19) VCF-style: chr19-38964290-G-A.
Other names: c.4039G>A, p.Gly1347Ser (NM_001042723.2); short protein forms G1347S.
Identifiers: ClinVar variation 1958774 (VCV001958774.6), dbSNP rs527732736, ClinGen allele CA308079782.